The following is an entry in ClinVar:

ClinVar aggregate classification (germline): Likely benign (1 of 4 stars; one submission).

gnomAD v4.1: 7 of 1,613,544 alleles (0.00043%); highest among the groups gnomAD compares: Middle Eastern, 0.017%; no homozygotes.

Submission:

CeGaT Center for Human Genetics Tuebingen
Classification: Likely benign. Last evaluated: 2026-09-01. Review status: criteria provided, single submitter. Criteria: CeGaT Center For Human Genetics Tuebingen Variant Classification Criteria Version 2. Collection method: clinical testing. Allele origin: germline. Affected: yes. Observed: 2 variant alleles.
Comment: DPP6: BP4

NM_130797.4(DPP6):c.1714+7G>C

Gene: DPP6 (dipeptidyl peptidase like 6; plus strand). Cytogenetic location: 7q36.2.
Variant type: single nucleotide variant.
Coding change: c.1714+7G>C on transcript NM_130797.4 (MANE Select); 7 bases into the intron after coding-DNA position 1714, G replaced by C.
Molecular consequence: intron variant.
Genome position (GRCh38, 1-based): chr7:154,853,834, G>C. VCF-style: chr7-154853834-G-C. GRCh37 (hg19) VCF-style: chr7-154645544-G-C.
Other names: c.1531+7G>C (NM_001364500.2, NM_001364499.2, NM_001364497.2 and 1 more transcripts); c.1522+7G>C (NM_001039350.3); c.1528+7G>C (NM_001936.5); c.1393+7G>C (NM_001290252.2).
Identifiers: ClinVar variation 2658268 (VCV002658268.24), dbSNP rs976253707, ClinGen allele CA1109022308.